The following is an entry in ClinVar:

ClinVar aggregate classification (germline): Uncertain significance (1 of 4 stars; one submission).

Conditions:
Inborn genetic diseases. Identifiers: MedGen C0950123, MeSH D030342.

Submission:

Ambry Genetics
Classification: Uncertain significance for Inborn genetic diseases. Last evaluated: 2026-03-12. Review status: criteria provided, single submitter. Criteria: Ambry Variant Classification Scheme 2023. Collection method: clinical testing. Allele origin: germline.
Comment: The p.R687G variant (also known as c.2059C>G), located in coding exon 15 of the MIB1 gene, results from a C to G substitution at nucleotide position 2059. The arginine at codon 687 is replaced by glycine, an amino acid with dissimilar properties. This amino acid position is conserved. In addition, the in silico prediction for this alteration is inconclusive. Based on the available evidence, the clinical significance of this variant remains unclear.

NM_020774.4(MIB1):c.2059C>G (p.Arg687Gly)

Gene: MIB1 (MIB E3 ubiquitin protein ligase 1; plus strand). Cytogenetic location: 18q11.2.
Variant type: single nucleotide variant.
Coding change: c.2059C>G on transcript NM_020774.4 (MANE Select); coding-DNA position 2059, C replaced by G.
Protein change: p.Arg687Gly; replaces arginine 687 with glycine.
Molecular consequence: missense variant.
Genome position (GRCh38, 1-based): chr18:21,844,101, C>G. VCF-style: chr18-21844101-C-G. GRCh37 (hg19) VCF-style: chr18-19424062-C-G.
Other names: short protein forms R687G.
Identifiers: ClinVar variation 4826107 (VCV004826107.1).